The following is an entry in ClinVar:

NM_025219.3(DNAJC5):c.52C>A (p.His18Asn)

Gene: DNAJC5 (DnaJ heat shock protein family (Hsp40) member C5; plus strand). Cytogenetic location: 20q13.33.
Variant type: single nucleotide variant.
Coding change: c.52C>A on transcript NM_025219.3 (MANE Select); coding-DNA position 52, C replaced by A.
Protein change: p.His18Asn; replaces histidine 18 with asparagine.
Molecular consequence: missense variant.
Genome position (GRCh38, 1-based): chr20:63,928,397, C>A. VCF-style: chr20-63928397-C-A. GRCh37 (hg19) VCF-style: chr20-62559750-C-A.
Other names: short protein forms H18N.
Identifiers: ClinVar variation 3907825 (VCV003907825.1).

ClinVar aggregate classification (germline): Uncertain significance (1 of 4 stars; one submission).

gnomAD v4.1: 1 of 1,614,038 alleles (0.000062%); highest among the groups gnomAD compares: Non-Finnish European, 0.000085%; no homozygotes.

Submission:

GeneDx
Classification: Uncertain significance. Last evaluated: 2024-12-26. Review status: criteria provided, single submitter. Criteria: GeneDx Variant Classification Process June 2021. Collection method: clinical testing. Allele origin: germline. Affected: yes.
Comment: Not observed at significant frequency in large population cohorts (gnomAD); In silico analysis indicates that this missense variant does not alter protein structure/function; Has not been previously published as pathogenic or benign to our knowledge